The following is an entry in ClinVar:

ClinVar aggregate classification (germline): Benign/Likely benign. Review status: criteria provided, multiple submitters, no conflicts (2 of 4 stars). 4 submissions from 4 submitters: Benign (2); Likely benign (2). Last evaluated 2026-02-01.

Conditions:
Wiskott-Aldrich syndrome (WAS). Also called: WISKOTT-ALDRICH SYNDROME 1; ALDRICH SYNDROME; IMMUNODEFICIENCY 2; Wiskott-aldrich syndrome, somatic. Identifiers: Orphanet 906, MedGen C0043194, MONDO:0010518, OMIM 301000.
Thrombocytopenia 1. Also called: X-Linked Thrombocytopenia (XLT); X-linked thrombocytopenia with normal platelets; THROMBOCYTOPENIA, X-LINKED, 1. Identifiers: Orphanet 268322, Orphanet 852, MedGen C1839163, MONDO:0010743, OMIM 313900.
X-linked severe congenital neutropenia (SCNX). Identifiers: Orphanet 86788, MedGen C1845987, MONDO:0010294, OMIM 300299.

Allele frequency attached by ClinVar (database versions not stated): ESP Exome Variant Server 0.00021; gnomAD 0.00028 and 0.00030; gnomAD exomes 0.00039 and 0.00064; TOPMed 0.00041; ExAC 0.00072.
gnomAD v4.1: 631 of 1,060,812 alleles (0.059%); highest among the groups gnomAD compares: Non-Finnish European, 0.074%; no homozygotes.

Submissions (4):

Labcorp Genetics (formerly Invitae), Labcorp
Classification: Benign for Wiskott-Aldrich syndrome; X-linked severe congenital neutropenia; Thrombocytopenia 1. Last evaluated: 2026-02-01. Review status: criteria provided, single submitter. Criteria: Invitae Variant Classification Sherloc (09022015). Collection method: clinical testing. Allele origin: germline.

Blueprint Genetics
Classification: Likely benign. Last evaluated: 2024-11-27. Review status: criteria provided, single submitter. Criteria: ACMG Guidelines, 2015. Collection method: clinical testing. Allele origin: germline.

Genetic Services Laboratory, University of Chicago
Classification: Benign. Last evaluated: 2021-08-04. Review status: criteria provided, single submitter. Criteria: ACMG Guidelines, 2015. Collection method: clinical testing. Allele origin: germline. Affected: no.

GeneDx
Classification: Likely benign. Last evaluated: 2016-10-14. Review status: criteria provided, single submitter. Criteria: GeneDx Variant Classification (06012015). Collection method: clinical testing. Allele origin: germline. Affected: yes.
Comment: This variant is considered likely benign or benign based on one or more of the following criteria: it is a conservative change, it occurs at a poorly conserved position in the protein, it is predicted to be benign by multiple in silico algorithms, and/or has population frequency not consistent with disease.

NM_000377.3(WAS):c.1200G>A (p.Pro400=)

Gene: WAS (WASP actin nucleation promoting factor; plus strand). Cytogenetic location: Xp11.23.
Variant type: single nucleotide variant.
Coding change: c.1200G>A on transcript NM_000377.3 (MANE Select); coding-DNA position 1200, G replaced by A.
Protein change: p.Pro400=; no amino-acid change (proline 400 retained).
Molecular consequence: synonymous variant.
Genome position (GRCh38, 1-based): chrX:48,688,928, G>A. VCF-style: chrX-48688928-G-A. GRCh37 (hg19) VCF-style: chrX-48547317-G-A.
Identifiers: ClinVar variation 390196 (VCV000390196.16), dbSNP rs375356111, ClinGen allele CA10404049.